The following is an entry in ClinVar:

NM_000274.4(OAT):c.478G>C (p.Val160Leu)

Gene: OAT (ornithine aminotransferase; minus strand). Cytogenetic location: 10q26.13.
Variant type: single nucleotide variant.
Coding change: c.478G>C on transcript NM_000274.4 (MANE Select); coding-DNA position 478, G replaced by C.
Protein change: p.Val160Leu; replaces valine 160 with leucine.
Molecular consequence: missense variant. On other transcripts: 5 prime UTR variant (1), intron variant (1).
Genome position (GRCh38, 1-based): chr10:124,408,584, C>G on the plus strand (G>C on the coding strand, the complement: OAT is on the minus strand). VCF-style: chr10-124408584-C-G. GRCh37 (hg19) VCF-style: chr10-126097153-C-G.
Other names: c.64G>C, p.Val22Leu (NM_001171814.2); c.478G>C, p.Val160Leu (NM_001322965.2, NM_001322966.2, NM_001322967.2 and 3 more transcripts); c.-237G>C (NM_001322974.2); c.200-3021G>C (NM_001322971.2); short protein forms V160L, V22L.
Identifiers: ClinVar variation 1976557 (VCV001976557.2), dbSNP rs148433929, ClinGen allele CA378636971.

ClinVar aggregate classification (germline): Uncertain significance (1 of 4 stars; one submission).

Conditions:
Ornithine aminotransferase deficiency (GACR). Also called: Ornithine ketoacid aminotransferase deficiency; Gyrate atrophy; Gyrate atrophy of choroid and retina; Girate atrophy of the retina; HYPERORNITHINEMIA WITH GYRATE ATROPHY OF CHOROID AND RETINA; OAT DEFICIENCY. Identifiers: Orphanet 414, MedGen C0018425, MONDO:0009796, OMIM 258870.

Submission:

Labcorp Genetics (formerly Invitae), Labcorp
Classification: Uncertain significance for Ornithine aminotransferase deficiency. Last evaluated: 2022-05-12. Review status: criteria provided, single submitter. Criteria: Invitae Variant Classification Sherloc (09022015). Collection method: clinical testing. Allele origin: germline.
Comment: This sequence change replaces valine, which is neutral and non-polar, with leucine, which is neutral and non-polar, at codon 160 of the OAT protein (p.Val160Leu). This variant is not present in population databases (gnomAD no frequency). This variant has not been reported in the literature in individuals affected with OAT-related conditions. Algorithms developed to predict the effect of missense changes on protein structure and function (SIFT, PolyPhen-2, Align-GVGD) all suggest that this variant is likely to be tolerated. In summary, the available evidence is currently insufficient to determine the role of this variant in disease. Therefore, it has been classified as a Variant of Uncertain Significance.